The following is an entry in ClinVar:

NM_001348800.3(ZBTB20):c.2192A>G (p.Asn731Ser)

Gene: ZBTB20 (zinc finger and BTB domain containing 20; minus strand). Cytogenetic location: 3q13.31.
Variant type: single nucleotide variant.
Coding change: c.2192A>G on transcript NM_001348800.3 (MANE Select); coding-DNA position 2192, A replaced by G.
Protein change: p.Asn731Ser; replaces asparagine 731 with serine.
Molecular consequence: missense variant. On other transcripts: non-coding transcript variant (1).
Genome position (GRCh38, 1-based): chr3:114,339,039, T>C on the plus strand (A>G on the coding strand, the complement: ZBTB20 is on the minus strand). VCF-style: chr3-114339039-T-C. GRCh37 (hg19) VCF-style: chr3-114057886-T-C.
Other names: c.2192A>G, p.Asn731Ser (NM_001164342.2, NM_001348803.3, NM_001393393.1 and 1 more transcripts); c.1973A>G, p.Asn658Ser (NM_001164343.2, NM_001164344.4, NM_001164345.4 and 9 more transcripts); short protein forms N658S, N731S.
Identifiers: ClinVar variation 1988250 (VCV001988250.4), dbSNP rs2550436269, ClinGen allele CA353998923.

ClinVar aggregate classification (germline): Uncertain significance (1 of 4 stars; one submission).

Allele frequency attached by ClinVar (database versions not stated): gnomAD exomes below 0.00001.
gnomAD v4.1: 1 of 1,536,630 alleles (0.000065%); highest among the groups gnomAD compares: Non-Finnish European, 0.000088%; no homozygotes.

Submission:

Labcorp Genetics (formerly Invitae), Labcorp
Classification: Uncertain significance. Last evaluated: 2024-10-29. Review status: criteria provided, single submitter. Criteria: Invitae Variant Classification Sherloc (09022015). Collection method: clinical testing. Allele origin: germline.
Comment: This sequence change replaces asparagine, which is neutral and polar, with serine, which is neutral and polar, at codon 731 of the ZBTB20 protein (p.Asn731Ser). This variant is not present in population databases (gnomAD no frequency). This variant has not been reported in the literature in individuals affected with ZBTB20-related conditions. ClinVar contains an entry for this variant (Variation ID: 1988250). Invitae Evidence Modeling of protein sequence and biophysical properties (such as structural, functional, and spatial information, amino acid conservation, physicochemical variation, residue mobility, and thermodynamic stability) indicates that this missense variant is not expected to disrupt ZBTB20 protein function with a negative predictive value of 95%. In summary, the available evidence is currently insufficient to determine the role of this variant in disease. Therefore, it has been classified as a Variant of Uncertain Significance.